The following is an entry in ClinVar:

NM_000419.5(ITGA2B):c.558C>G (p.Tyr186Ter)

Gene: ITGA2B (integrin subunit alpha 2b; minus strand). Cytogenetic location: 17q21.31.
Variant type: single nucleotide variant.
Coding change: c.558C>G on transcript NM_000419.5 (MANE Select); coding-DNA position 558, C replaced by G.
Protein change: p.Tyr186Ter; replaces tyrosine 186 with a stop codon.
Molecular consequence: nonsense.
Genome position (GRCh38, 1-based): chr17:44,385,567, G>C on the plus strand (C>G on the coding strand, the complement: ITGA2B is on the minus strand). VCF-style: chr17-44385567-G-C. GRCh37 (hg19) VCF-style: chr17-42462935-G-C.
Other names: short protein forms Y186*.
Identifiers: ClinVar variation 1210195 (VCV001210195.3), dbSNP rs1416238665, ClinGen allele CA399805728.
Genomic context (GRCh38, chr17:44,385,567, plus strand): 5'-AAGCCGTCGCGAGTGGGCGGGGCCAGGTCGTAGCTGGCGCTTACTAAAATCATTTTCCAC[G>C]TAAATGCGGCTCAGGGTGTTCCCGCGACAGGGGGAGTACTCGGCGCGGCGGCCGCTCTCT-3'

ClinVar aggregate classification (germline): Likely pathogenic. Review status: reviewed by expert panel (3 of 4 stars). 2 submissions from 2 submitters: Likely pathogenic (1). 1 of the submissions does not count toward it. Last evaluated 2024-02-20.

Conditions:
Glanzmann thrombasthenia 1 (GT1). Also called: BLEEDING DISORDER, PLATELET-TYPE, 2; GP IIb-IIIa COMPLEX DEFICIENCY; GLYCOPROTEIN COMPLEX IIb-IIIa DEFICIENCY; PLATELET FIBRINOGEN RECEPTOR DEFICIENCY. Identifiers: MedGen CN300358, MONDO:0031332, OMIM 273800.
Glanzmann thrombasthenia. Also called: THROMBASTHENIA OF GLANZMANN AND NAEGELI; PLATELET GLYCOPROTEIN IIb-IIIa DEFICIENCY; Thrombasthenia; Glanzmann's thrombasthenia. Identifiers: Orphanet 849, MedGen C0040015, MONDO:0100326.

Submissions (2):

ClinGen Platelet Disorders Variant Curation Expert Panel, ClinGen
Classification: Likely pathogenic for Glanzmann thrombasthenia. Last evaluated: 2024-02-20. Review status: reviewed by expert panel. Criteria: ClinGen Platelet ACMG Specifications v2-1. Collection method: curation. Allele origin: germline. Inheritance: Autosomal recessive inheritance.
Comment: The ITGA2B nonsense variant NM_000419.5:c.558C>G (p.Tyr186Ter) is expected to introduce a premature termination codon, in exon 4 of 30, and the resulting mRNA product is predicted to undergo nonsense mediated decay, leading to loss of normal protein function (PVS1). This variant has been observed in heterozygosity in an individual suspected to have Glanzmann's thrombasthenia (GT) (GT-63 in PMID: 30792900), however sufficient information to confirm if the individual's phenotype is specific for GT was not provided and a second ITGA2B variant was not identified. This variant is absent from population databases, including gnomADv4.0 (PM2_supporting). In summary, this variant meets criteria to be classified as likely pathogenic for GT. GT-specific criteria applied: PVS1, PM2_supporting.

Genomic Medicine Center of Excellence, King Faisal Specialist Hospital and Research Centre
Classification: Pathogenic for Glanzmann thrombasthenia 1. Last evaluated: 2024-03-29. Review status: criteria provided, single submitter. Criteria: ACMG Guidelines, 2015. Collection method: clinical testing. Allele origin: germline. Not counted in ClinVar's aggregate classification.